The following is an entry in ClinVar:

ClinVar aggregate classification (germline): Uncertain significance. Review status: criteria provided, multiple submitters, no conflicts (2 of 4 stars). 2 submissions from 2 submitters: Uncertain significance (2). Last evaluated 2024-05-08.

Conditions:
Myopathy, centronuclear, 5 (CNM5). Identifiers: Orphanet 169186, MedGen C4014814, MONDO:0014418, OMIM 615959.

gnomAD v4.1: 86 of 1,492,436 alleles (0.0058%); highest among the groups gnomAD compares: South Asian, 0.11%; 2 homozygotes.

Submissions (2):

Labcorp Genetics (formerly Invitae), Labcorp
Classification: Uncertain significance. Last evaluated: 2024-05-08. Review status: criteria provided, single submitter. Criteria: Invitae Variant Classification Sherloc (09022015). Collection method: clinical testing. Allele origin: germline.
Comment: This sequence change replaces threonine, which is neutral and polar, with methionine, which is neutral and non-polar, at codon 505 of the SPEG protein (p.Thr505Met). This variant is present in population databases (rs761759599, gnomAD 0.1%). This variant has not been reported in the literature in individuals affected with SPEG-related conditions. An algorithm developed to predict the effect of missense changes on protein structure and function (PolyPhen-2) suggests that this variant is likely to be tolerated. In summary, the available evidence is currently insufficient to determine the role of this variant in disease. Therefore, it has been classified as a Variant of Uncertain Significance.

Revvity Omics, Revvity
Classification: Uncertain significance for Myopathy, centronuclear, 5. Last evaluated: 2024-01-24. Review status: criteria provided, single submitter. Criteria: ACMG Guidelines, 2015. Collection method: clinical testing. Allele origin: germline.

NM_005876.5(SPEG):c.1514C>T (p.Thr505Met)

Gene: SPEG (striated muscle enriched protein kinase; plus strand). Cytogenetic location: 2q35.
Variant type: single nucleotide variant.
Coding change: c.1514C>T on transcript NM_005876.5 (MANE Select); coding-DNA position 1514, C replaced by T.
Protein change: p.Thr505Met; replaces threonine 505 with methionine.
Molecular consequence: missense variant.
Genome position (GRCh38, 1-based): chr2:219,448,672, C>T. VCF-style: chr2-219448672-C-T. GRCh37 (hg19) VCF-style: chr2-220313394-C-T.
Other names: short protein forms T505M.
Identifiers: ClinVar variation 3614855 (VCV003614855.3).